The following is an entry in ClinVar:

ClinVar aggregate classification (germline): Conflicting classifications of pathogenicity. Review status: criteria provided, conflicting classifications (1 of 4 stars). 2 submissions from 2 submitters: Uncertain significance (1); Likely benign (1). Last evaluated 2025-03-05.

Conditions:
Inborn genetic diseases. Identifiers: MedGen C0950123, MeSH D030342.

Allele frequency attached by ClinVar (database versions not stated): gnomAD 0.00001; TOPMed 0.00001; gnomAD exomes 0.00002; ESP Exome Variant Server 0.00008.
gnomAD v4.1: 21 of 1,613,920 alleles (0.0013%); highest among the groups gnomAD compares: Admixed American, 0.005%; no homozygotes.

Submissions (2):

Ambry Genetics
Classification: Likely benign for Inborn genetic diseases. Last evaluated: 2025-03-05. Review status: criteria provided, single submitter. Criteria: Ambry Variant Classification Scheme 2023. Collection method: clinical testing. Allele origin: germline.

Labcorp Genetics (formerly Invitae), Labcorp
Classification: Uncertain significance. Last evaluated: 2024-02-23. Review status: criteria provided, single submitter. Criteria: Invitae Variant Classification Sherloc (09022015). Collection method: clinical testing. Allele origin: germline.
Comment: This sequence change replaces arginine, which is basic and polar, with glutamine, which is neutral and polar, at codon 391 of the NCSTN protein (p.Arg391Gln). This variant is present in population databases (rs374951668, gnomAD 0.009%). This variant has not been reported in the literature in individuals affected with NCSTN-related conditions. ClinVar contains an entry for this variant (Variation ID: 1488308). Advanced modeling of protein sequence and biophysical properties (such as structural, functional, and spatial information, amino acid conservation, physicochemical variation, residue mobility, and thermodynamic stability) performed at Invitae indicates that this missense variant is not expected to disrupt NCSTN protein function with a negative predictive value of 80%. In summary, the available evidence is currently insufficient to determine the role of this variant in disease. Therefore, it has been classified as a Variant of Uncertain Significance.

NM_015331.3(NCSTN):c.1172G>A (p.Arg391Gln)

Gene: NCSTN (nicastrin; plus strand). Cytogenetic location: 1q23.2.
Variant type: single nucleotide variant.
Coding change: c.1172G>A on transcript NM_015331.3 (MANE Select); coding-DNA position 1172, G replaced by A.
Protein change: p.Arg391Gln; replaces arginine 391 with glutamine.
Molecular consequence: missense variant.
Genome position (GRCh38, 1-based): chr1:160,353,230, G>A. VCF-style: chr1-160353230-G-A. GRCh37 (hg19) VCF-style: chr1-160323020-G-A.
Other names: c.1112G>A, p.Arg371Gln (NM_001290184.2); c.758G>A, p.Arg253Gln (NM_001290186.2); c.1172G>A, p.Arg391Gln (NM_001349729.2); c.1172G>A (NM_015331.2); short protein forms R253Q, R371Q, R391Q.
Identifiers: ClinVar variation 1488308 (VCV001488308.9), dbSNP rs374951668, ClinGen allele CA31539370.